The following is an entry in ClinVar:

ClinVar aggregate classification (germline): Uncertain significance. Review status: criteria provided, multiple submitters, no conflicts (2 of 4 stars). 4 submissions from 4 submitters: Uncertain significance (3). 1 of the submissions does not count toward it. Last evaluated 2025-04-27.

Conditions:
PRPH2-related disorder. Also called: PRPH2-related condition; PRPH2-related disorders. Identifiers: MedGen CN239395.

Allele frequency attached by ClinVar (database versions not stated): ExAC 0.00001; gnomAD exomes 0.00002.
gnomAD v4.1: 19 of 1,614,056 alleles (0.0012%); highest among the groups gnomAD compares: African/African-American, 0.0027%; no homozygotes.

Submissions (4):

PreventionGenetics, part of Exact Sciences
Classification: Uncertain significance for PRPH2-related condition. Last evaluated: 2025-04-27. Review status: criteria provided, single submitter. Criteria: ACMG Guidelines, 2015. Collection method: clinical testing. Allele origin: germline.
Comment: The PRPH2 c.409G>A variant is predicted to result in the amino acid substitution p.Gly137Ser. To our knowledge, this variant has not been reported in the literature. This variant is present in 0.0080% of alleles in individuals of African descent in gnomAD. At this time, the clinical significance of this variant is uncertain due to the absence of conclusive functional and genetic evidence.

Blueprint Genetics
Classification: Uncertain significance. Last evaluated: 2024-08-30. Review status: criteria provided, single submitter. Criteria: ACMG Guidelines, 2015. Collection method: clinical testing. Allele origin: germline.

Labcorp Genetics (formerly Invitae), Labcorp
Classification: Uncertain significance for PRPH2-related disorder. Last evaluated: 2024-01-02. Review status: criteria provided, single submitter. Criteria: Invitae Variant Classification Sherloc (09022015). Collection method: clinical testing. Allele origin: germline.
Comment: This sequence change replaces glycine, which is neutral and non-polar, with serine, which is neutral and polar, at codon 137 of the PRPH2 protein (p.Gly137Ser). This variant is present in population databases (rs781256236, gnomAD 0.008%). This missense change has been observed in individual(s) with retinitis pigmentosa (PMID: 16799052). ClinVar contains an entry for this variant (Variation ID: 1175245). Advanced modeling of protein sequence and biophysical properties (such as structural, functional, and spatial information, amino acid conservation, physicochemical variation, residue mobility, and thermodynamic stability) has been performed at Invitae for this missense variant, however the output from this modeling did not meet the statistical confidence thresholds required to predict the impact of this variant on PRPH2 protein function. This variant disrupts the p.Gly137 amino acid residue in PRPH2. Other variant(s) that disrupt this residue have been determined to be pathogenic (PMID: 18310263, 30217183). This suggests that this residue is clinically significant, and that variants that disrupt this residue are likely to be disease-causing. In summary, the available evidence is currently insufficient to determine the role of this variant in disease. Therefore, it has been classified as a Variant of Uncertain Significance.

Leiden Open Variation Database
Classification: Benign. Last evaluated: 2021-03-07. Review status: no assertion criteria provided. Collection method: curation. Allele origin: germline. Affected: yes. Not counted in ClinVar's aggregate classification.
Comment: Curator: Global Variome, with Curator vacancy. Submitter to LOVD: Julia Lopez.

Literature cited by the submitters: PubMed 16799052 (cited by Labcorp Genetics (formerly Invitae), Labcorp and Leiden Open Variation Database); PubMed 18310263 (cited by Labcorp Genetics (formerly Invitae), Labcorp); PubMed 30217183 (cited by Labcorp Genetics (formerly Invitae), Labcorp).

NM_000322.5(PRPH2):c.409G>A (p.Gly137Ser)

Gene: PRPH2 (peripherin 2; minus strand). Cytogenetic location: 6p21.1.
Variant type: single nucleotide variant.
Coding change: c.409G>A on transcript NM_000322.5 (MANE Select); coding-DNA position 409, G replaced by A.
Protein change: p.Gly137Ser; replaces glycine 137 with serine.
Molecular consequence: missense variant.
Genome position (GRCh38, 1-based): chr6:42,721,926, C>T on the plus strand (G>A on the coding strand, the complement: PRPH2 is on the minus strand). VCF-style: chr6-42721926-C-T. GRCh37 (hg19) VCF-style: chr6-42689664-C-T.
Other names: short protein forms G137S.
Identifiers: ClinVar variation 1175245 (VCV001175245.9), dbSNP rs781256236, ClinGen allele CA3808617.